The following is an entry in ClinVar:

NM_003620.4(PPM1D):c.1422del (p.Glu475fs)

Gene: PPM1D (protein phosphatase, Mg2+/Mn2+ dependent 1D; plus strand). Cytogenetic location: 17q23.2.
Variant type: Deletion.
Coding change: c.1422del on transcript NM_003620.4 (MANE Select); coding-DNA position 1422, one base deleted (T; older notation c.1422delT).
Protein change: p.Glu475fs; shifts the reading frame from glutamic acid 475.
Molecular consequence: frameshift variant.
Genome position (GRCh38, 1-based): chr17:60,663,156, T deleted; the last of 2 consecutive T bases (chr17:60,663,155-60,663,156); deleting either gives the same sequence. VCF-style (leftmost placement, unchanged base first): chr17-60663154-CT-C. GRCh37 (hg19) VCF-style: chr17-58740515-CT-C.
Other names: short protein forms E475fs.
Identifiers: ClinVar variation 817202 (VCV000817202.1), dbSNP rs1415073333, ClinGen allele CA915950663.

ClinVar aggregate classification (germline): Likely pathogenic (1 of 4 stars; one submission).

Submission:

GeneDx
Classification: Likely pathogenic. Last evaluated: 2018-09-06. Review status: criteria provided, single submitter. Criteria: GeneDx Variant Classification (06012015). Collection method: clinical testing. Allele origin: germline. Affected: yes.
Comment: The c.1422delT variant in the PPM1D gene has not been reported previously as a pathogenic variant nor as a benign variant, to our knowledge. The c.1422delT variant causes a frameshift starting with codon Glutamic acid 475, changes this amino acid to a Lysine residue, and creates a premature Stop codon at position 8 of the new reading frame, denoted p.Glu475LysfsX8. This variant is predicted to cause loss of normal protein function through protein truncation. The c.1422delT variant is not observed in large population cohorts (Lek et al., 2016). We interpret c.1422delT as a likely pathogenic variant.